The following is an entry in ClinVar:

ClinVar aggregate classification (germline): Uncertain significance (1 of 4 stars; one submission).

Submission:

GeneDx
Classification: Uncertain significance. Last evaluated: 2022-08-17. Review status: criteria provided, single submitter. Criteria: GeneDx Variant Classification Process June 2021. Collection method: clinical testing. Allele origin: germline. Affected: yes.
Comment: Not observed at significant frequency in large population cohorts (gnomAD); In silico analysis supports that this missense variant does not alter protein structure/function; Has not been previously published as pathogenic or benign to our knowledge

NM_006939.4(SOS2):c.2417T>C (p.Val806Ala)

Gene: SOS2 (SOS Ras/Rho guanine nucleotide exchange factor 2; minus strand). Cytogenetic location: 14q21.3.
Variant type: single nucleotide variant.
Coding change: c.2417T>C on transcript NM_006939.4 (MANE Select); coding-DNA position 2417, T replaced by C.
Protein change: p.Val806Ala; replaces valine 806 with alanine.
Molecular consequence: missense variant.
Genome position (GRCh38, 1-based): chr14:50,145,564, A>G on the plus strand (T>C on the coding strand, the complement: SOS2 is on the minus strand). VCF-style: chr14-50145564-A-G. GRCh37 (hg19) VCF-style: chr14-50612282-A-G.
Other names: c.2318T>C, p.Val773Ala (NM_001411020.1); short protein forms V773A, V806A.
Identifiers: ClinVar variation 2430994 (VCV002430994.1), dbSNP rs2502917396, ClinGen allele CA389643501.